The following is an entry in ClinVar:

NM_033026.6(PCLO):c.3451C>G (p.Pro1151Ala)

Gene: PCLO (piccolo presynaptic cytomatrix protein; minus strand). Cytogenetic location: 7q21.11.
Variant type: single nucleotide variant.
Coding change: c.3451C>G on transcript NM_033026.6 (MANE Select); coding-DNA position 3451, C replaced by G.
Protein change: p.Pro1151Ala; replaces proline 1151 with alanine.
Molecular consequence: missense variant.
Genome position (GRCh38, 1-based): chr7:82,966,337, G>C on the plus strand (C>G on the coding strand, the complement: PCLO is on the minus strand). VCF-style: chr7-82966337-G-C. GRCh37 (hg19) VCF-style: chr7-82595653-G-C.
Other names: c.3451C>G, p.Pro1151Ala (NM_014510.3); c.3451C>G (NM_033026.5); short protein forms P1151A.
Identifiers: ClinVar variation 1522788 (VCV001522788.5), dbSNP rs201837844, ClinGen allele CA4321036.
Genomic context (GRCh38, chr7:82,966,337, plus strand): 5'-CTTTTTCAGCTTCCGTTTTTACTTCTTGTTCTTGCTTTTTCACTAATTTTACTTGGGGAG[G>C]CACTGCTGTTTTCTGAGATGATGATTCTGTAGGAACAGGCATAGGAGATGCTTTGGGTCC-3'
Protein context (NP_149015.2, residues 1141-1161): TESSSQKTAV[Pro1151Ala]PQVKLVKKQE

ClinVar aggregate classification (germline): Uncertain significance. Review status: criteria provided, multiple submitters, no conflicts (2 of 4 stars). 3 submissions from 3 submitters: Uncertain significance (3). Last evaluated 2024-12-12.

Conditions:
Inborn genetic diseases. Identifiers: MedGen C0950123, MeSH D030342.

Allele frequency attached by ClinVar (database versions not stated): ESP Exome Variant Server 0.00025; 1000 Genomes Project 30x 0.00016; 1000 Genomes Project 0.00020.
gnomAD v4.1: 346 of 1,613,704 alleles (0.021%); highest among the groups gnomAD compares: Non-Finnish European, 0.027%; 1 homozygote.

Submissions (3):

GeneDx
Classification: Uncertain significance. Last evaluated: 2024-12-12. Review status: criteria provided, single submitter. Criteria: GeneDx Variant Classification Process June 2021. Collection method: clinical testing. Allele origin: germline. Affected: yes.
Comment: In silico analysis indicates that this missense variant does not alter protein structure/function; Has not been previously published as pathogenic or benign to our knowledge; Variants in candidate genes are classified as variants of uncertain significance in accordance with ACMG guidelines (PMID: 25741868)

Labcorp Genetics (formerly Invitae), Labcorp
Classification: Uncertain significance. Last evaluated: 2022-10-13. Review status: criteria provided, single submitter. Criteria: Invitae Variant Classification Sherloc (09022015). Collection method: clinical testing. Allele origin: germline.
Comment: This sequence change replaces proline, which is neutral and non-polar, with alanine, which is neutral and non-polar, at codon 1151 of the PCLO protein (p.Pro1151Ala). This variant is present in population databases (rs201837844, gnomAD 0.03%). This variant has not been reported in the literature in individuals affected with PCLO-related conditions. ClinVar contains an entry for this variant (Variation ID: 1522788). Algorithms developed to predict the effect of missense changes on protein structure and function output the following: SIFT: "Tolerated"; PolyPhen-2: "Not Available"; Align-GVGD: "Class C0". The alanine amino acid residue is found in multiple mammalian species, which suggests that this missense change does not adversely affect protein function. In summary, the available evidence is currently insufficient to determine the role of this variant in disease. Therefore, it has been classified as a Variant of Uncertain Significance.

Ambry Genetics
Classification: Uncertain significance for Inborn genetic diseases. Last evaluated: 2021-07-09. Review status: criteria provided, single submitter. Criteria: Ambry Variant Classification Scheme 2023. Collection method: clinical testing. Allele origin: germline.